The following is an entry in ClinVar:

NM_002241.5(KCNJ10):c.1-171C>T

Gene: KCNJ10 (potassium inwardly rectifying channel subfamily J member 10; minus strand). Cytogenetic location: 1q23.2.
Variant type: single nucleotide variant.
Coding change: c.1-171C>T on transcript NM_002241.5 (MANE Select); 171 bases into the intron before coding-DNA position 1, C replaced by T.
Molecular consequence: intron variant.
Genome position (GRCh38, 1-based): chr1:160,042,703, G>A on the plus strand (C>T on the coding strand, the complement: KCNJ10 is on the minus strand). VCF-style: chr1-160042703-G-A. GRCh37 (hg19) VCF-style: chr1-160012493-G-A.
Identifiers: ClinVar variation 682044 (VCV000682044.1), dbSNP rs3120973, ClinGen allele CA10688637.
Genomic context (GRCh38, chr1:160,042,703, plus strand): 5'-TTCTTGTCTTACCAAATATTTATTGAGCACTTGCTATGTGCCAGGCACTGTGCAGGGGCC[G>A]AGGCGGGTGGATCGCCTGAGGTCAGGAGTTCAAGACCAGCCTGGCCAACAAGGCAAAACC-3'

ClinVar aggregate classification (germline): Benign (1 of 4 stars; one submission).

Allele frequency attached by ClinVar (database versions not stated): 1000 Genomes Project 30x 0.20706; 1000 Genomes Project 0.21186; TOPMed 0.22349; gnomAD 0.23525 and 0.23715.
gnomAD v4.1: 36,209 of 152,124 alleles (24%); highest among the groups gnomAD compares: East Asian, 32%; 5,340 homozygotes.

Submission:

GeneDx
Classification: Benign. Last evaluated: 2018-06-19. Review status: criteria provided, single submitter. Criteria: GeneDx Variant Classification (06012015). Collection method: clinical testing. Allele origin: germline. Affected: yes.
Comment: This variant is considered likely benign or benign based on one or more of the following criteria: it is a conservative change, it occurs at a poorly conserved position in the protein, it is predicted to be benign by multiple in silico algorithms, and/or has population frequency not consistent with disease.